The following is an entry in ClinVar:

NM_000478.6(ALPL):c.1328C>G (p.Ala443Gly)

Gene: ALPL (alkaline phosphatase, biomineralization associated; plus strand). Cytogenetic location: 1p36.12.
Variant type: single nucleotide variant.
Coding change: c.1328C>G on transcript NM_000478.6 (MANE Select); coding-DNA position 1328, C replaced by G.
Protein change: p.Ala443Gly; replaces alanine 443 with glycine.
Molecular consequence: missense variant.
Genome position (GRCh38, 1-based): chr1:21,577,401, C>G. VCF-style: chr1-21577401-C-G. GRCh37 (hg19) VCF-style: chr1-21903894-C-G.
Other names: c.1163C>G, p.Ala388Gly (NM_001127501.4); c.1097C>G, p.Ala366Gly (NM_001177520.3); c.1328C>G, p.Ala443Gly (NM_001369803.2, NM_001369804.2, NM_001369805.2); short protein forms A366G, A388G, A443G.
Identifiers: ClinVar variation 2664877 (VCV002664877.2), dbSNP rs768053120, ClinGen allele CA666825.

ClinVar aggregate classification (germline): Likely pathogenic. Review status: criteria provided, multiple submitters, no conflicts (2 of 4 stars). 2 submissions from 2 submitters: Likely pathogenic (2). Last evaluated 2025-08-29.

Conditions:
Hypophosphatasia. Also called: Phosphoethanol-aminuria. Identifiers: Orphanet 436, MedGen C0020630, MeSH D007014, MONDO:0018570.

gnomAD v4.1: 2 of 1,613,312 alleles (0.00012%); highest among the groups gnomAD compares: African/African-American, 0.0013%; no homozygotes.

Submissions (2):

Genomenon, Inc
Classification: Likely pathogenic for Hypophosphatasia. Last evaluated: 2025-08-29. Review status: criteria provided, single submitter. Criteria: Genomenon Sequence Variant Interpretation Standards. Collection method: curation. Allele origin: germline. Affected: yes.
Comment: ALPL p.Ala443Gly (c.1328C>G) is a missense variant that changes the amino acid at residue 443 from Alanine to Glycine. This variant has been observed in at least one proband affected with hypophosphatasia (PMID:32811521). It is absent or not present at a significant frequency in gnomAD. In silico models agree that this variant is possibly or probably damaging. The presence of pathogenic missense variant(s) at the same amino acid position indicates that this residue is likely important for protein function. In conclusion, we classify ALPL p.Ala443Gly (c.1328C>G) as a likely pathogenic variant.

JKU Lab, Dept of Paediatrics, Johannes Kepler University
Classification: Likely pathogenic for Hypophosphatasia. Last evaluated: 2023-02-14. Review status: criteria provided, single submitter. Criteria: ACMG Guidelines, 2015. Collection method: clinical testing. Allele origin: germline. Affected: yes. Observed: 1 homozygote.
Comment: Absent in GnomAD. The ACMG criteria applied can be looked up in the ALPL gene variant database.

Literature cited by the submitters: PubMed 32811521 (cited by Genomenon, Inc and JKU Lab, Dept of Paediatrics, Johannes Kepler University).